The following is an entry in ClinVar:

NM_000168.6(GLI3):c.558del (p.Glu187fs)

Gene: GLI3 (GLI family zinc finger 3; minus strand). Cytogenetic location: 7p14.1.
Variant type: Deletion.
Coding change: c.558del on transcript NM_000168.6 (MANE Select); coding-DNA position 558, one base deleted (C; older notation c.558delC).
Protein change: p.Glu187fs; shifts the reading frame from glutamic acid 187.
Molecular consequence: frameshift variant.
Genome position (GRCh38, 1-based): chr7:42,048,612, G deleted on the plus strand (C on the coding strand, the reverse complement: GLI3 is on the minus strand); the first of 2 consecutive G bases (chr7:42,048,612-42,048,613); deleting either gives the same sequence. VCF-style (leftmost placement, unchanged base first): chr7-42048611-CG-C. GRCh37 (hg19) VCF-style: chr7-42088210-CG-C.
Other names: short protein forms E187fs.
Identifiers: ClinVar variation 2950899 (VCV002950899.3), dbSNP rs2484717396, ClinGen allele CA2740097353.

ClinVar aggregate classification (germline): Pathogenic (1 of 4 stars; one submission).

Conditions:
Greig cephalopolysyndactyly syndrome (GCPS). Also called: GLI3-Related Greig Cephalopolysyndactyly Syndrome; POLYSYNDACTYLY WITH PECULIAR SKULL SHAPE; Greig syndrome. Identifiers: Orphanet 380, MedGen C0265306, MONDO:0008287, OMIM 175700.
Pallister-Hall syndrome (PHS). Also called: GLI3-Related Pallister-Hall Syndrome; HYPOTHALAMIC HAMARTOBLASTOMA, HYPOPITUITARISM, IMPERFORATE ANUS, AND POSTAXIAL POLYDACTYLY. Identifiers: Orphanet 672, MedGen C0265220, MONDO:0007804, OMIM 146510.

Submission:

Labcorp Genetics (formerly Invitae), Labcorp
Classification: Pathogenic for Pallister-Hall syndrome; Greig cephalopolysyndactyly syndrome. Last evaluated: 2023-08-11. Review status: criteria provided, single submitter. Criteria: Invitae Variant Classification Sherloc (09022015). Collection method: clinical testing. Allele origin: germline.
Comment: For these reasons, this variant has been classified as Pathogenic. This variant is not present in population databases (gnomAD no frequency). This variant has not been reported in the literature in individuals affected with GLI3-related conditions. This sequence change creates a premature translational stop signal (p.Glu187Serfs*29) in the GLI3 gene. It is expected to result in an absent or disrupted protein product. Loss-of-function variants in GLI3 are known to be pathogenic (PMID: 10441570, 15739154, 18000979, 24736735).

Literature cited by the submitters: PubMed 10441570; PubMed 15739154; PubMed 18000979; PubMed 24736735.